The following is an entry in ClinVar:

NM_004360.5(CDH1):c.1959G>T (p.Lys653Asn)

Gene: CDH1 (cadherin 1; plus strand). Cytogenetic location: 16q22.1.
Variant type: single nucleotide variant.
Coding change: c.1959G>T on transcript NM_004360.5 (MANE Select); coding-DNA position 1959, G replaced by T.
Protein change: p.Lys653Asn; replaces lysine 653 with asparagine.
Molecular consequence: missense variant. On other transcripts: 5 prime UTR variant (1).
Genome position (GRCh38, 1-based): chr16:68,823,421, G>T. VCF-style: chr16-68823421-G-T. GRCh37 (hg19) VCF-style: chr16-68857324-G-T.
Other names: c.1776G>T, p.Lys592Asn (NM_001317184.2); c.411G>T, p.Lys137Asn (NM_001317185.2); c.-7G>T (NM_001317186.2); short protein forms K137N, K592N, K653N.
Identifiers: ClinVar variation 1489052 (VCV001489052.6), dbSNP rs1596965552, ClinGen allele CA396467546.

ClinVar aggregate classification (germline): Uncertain significance (1 of 4 stars; one submission).

Conditions:
Hereditary diffuse gastric adenocarcinoma (HDGC). Also called: DIFFUSE GASTRIC AND LOBULAR BREAST CANCER SYNDROME. Identifiers: Orphanet 26106, MedGen C1708349, MONDO:0007648, OMIM 137215.

Submission:

Labcorp Genetics (formerly Invitae), Labcorp
Classification: Uncertain significance for Hereditary diffuse gastric adenocarcinoma. Last evaluated: 2021-11-14. Review status: criteria provided, single submitter. Criteria: Invitae Variant Classification Sherloc (09022015). Collection method: clinical testing. Allele origin: germline.
Comment: In summary, the available evidence is currently insufficient to determine the role of this variant in disease. Therefore, it has been classified as a Variant of Uncertain Significance. Algorithms developed to predict the effect of missense changes on protein structure and function (SIFT, PolyPhen-2, Align-GVGD) all suggest that this variant is likely to be tolerated. This variant has not been reported in the literature in individuals affected with CDH1-related conditions. This variant is not present in population databases (gnomAD no frequency). This sequence change replaces lysine, which is basic and polar, with asparagine, which is neutral and polar, at codon 653 of the CDH1 protein (p.Lys653Asn).